The following is an entry in ClinVar:

NM_001127392.3(MYRF):c.2867A>G (p.Glu956Gly)

Gene: MYRF (myelin regulatory factor; plus strand). Cytogenetic location: 11q12.2.
Variant type: single nucleotide variant.
Coding change: c.2867A>G on transcript NM_001127392.3 (MANE Select); coding-DNA position 2867, A replaced by G.
Protein change: p.Glu956Gly; replaces glutamic acid 956 with glycine.
Molecular consequence: missense variant.
Genome position (GRCh38, 1-based): chr11:61,781,675, A>G. VCF-style: chr11-61781675-A-G. GRCh37 (hg19) VCF-style: chr11-61549147-A-G.
Other names: c.2762A>G, p.Glu921Gly (NM_013279.4); short protein forms E921G, E956G.
Identifiers: ClinVar variation 3384992 (VCV003384992.1).

ClinVar aggregate classification (germline): Uncertain significance (1 of 4 stars; one submission).

gnomAD v4.1: 1 of 1,613,702 alleles (0.000062%); highest among the groups gnomAD compares: Non-Finnish European, 0.000085%; no homozygotes.

Submission:

Women's Health and Genetics/Laboratory Corporation of America, LabCorp
Classification: Uncertain significance. Last evaluated: 2024-10-02. Review status: criteria provided, single submitter. Criteria: LabCorp Variant Classification Summary - May 2015. Collection method: clinical testing. Allele origin: germline.
Comment: Variant summary: MYRF c.2867A>G (p.Glu956Gly) results in a non-conservative amino acid change in the encoded protein sequence. Four of five in-silico tools predict a benign effect of the variant on protein function. The variant was absent in 251216 control chromosomes (gnomAD). The available data on variant occurrences in the general population are insufficient to allow any conclusion about variant significance. To our knowledge, no occurrence of c.2867A>G in individuals affected with Cardiac-Urogenital Syndrome and no experimental evidence demonstrating its impact on protein function have been reported. No submitters have cited clinical-significance assessments for this variant to ClinVar. Based on the evidence outlined above, the variant was classified as uncertain significance.